The following is an entry in ClinVar:

ClinVar aggregate classification (germline): Benign. Review status: criteria provided, multiple submitters, no conflicts (2 of 4 stars). 2 submissions from 2 submitters: Benign (2). Last evaluated 2026-01-21.

Allele frequency attached by ClinVar (database versions not stated): ESP Exome Variant Server 0.91742; TOPMed 0.92442; 1000 Genomes Project 30x 0.93770; 1000 Genomes Project 0.93950; gnomAD exomes 0.95007.
gnomAD v4.1: 1,529,688 of 1,613,710 alleles (95%); highest among the groups gnomAD compares: East Asian, 100%; 725,527 homozygotes.

Submissions (2):

Women's Health and Genetics/Laboratory Corporation of America, LabCorp
Classification: Benign. Last evaluated: 2026-01-21. Review status: criteria provided, single submitter. Criteria: LabCorp Variant Classification Summary - May 2015. Collection method: clinical testing. Allele origin: germline.

Unidad de Genómica Garrahan, Hospital de Pediatría Garrahan
Classification: Benign. Last evaluated: 2024-01-24. Review status: criteria provided, single submitter. Criteria: ACMG Guidelines, 2015. Collection method: clinical testing. Allele origin: germline. Affected: no. Observed: 88 variant alleles.
Comment: This variant is classified as Benign based on local population frequency. This variant was detected in 100% of patients studied by a panel of primary immunodeficiencies. Number of patients: 88. Only high quality variants are reported.

NM_001282426.2(PIK3CG):c.972A>G (p.Pro324=)

Gene: PIK3CG (phosphatidylinositol-4,5-bisphosphate 3-kinase catalytic subunit gamma; plus strand). Cytogenetic location: 7q22.3.
Variant type: single nucleotide variant.
Coding change: c.972A>G on transcript NM_001282426.2 (MANE Select); coding-DNA position 972, A replaced by G.
Protein change: p.Pro324=; no amino-acid change (proline 324 retained).
Molecular consequence: synonymous variant.
Genome position (GRCh38, 1-based): chr7:106,868,533, A>G. VCF-style: chr7-106868533-A-G. GRCh37 (hg19) VCF-style: chr7-106508978-A-G.
Other names: c.972A>G, p.Pro324= (NM_001282427.2, NM_002649.3).
Identifiers: ClinVar variation 2688530 (VCV002688530.3), dbSNP rs849389, ClinGen allele CA4429283.